The following is an entry in ClinVar:

ClinVar aggregate classification (germline): Uncertain significance (1 of 4 stars; one submission).

Conditions:
Neurofibromatosis, type 2 (SWNV). Also called: BILATERAL ACOUSTIC NEUROFIBROMATOSIS; NF2-Related Schwannomatosis; SCHWANNOMATOSIS, VESTIBULAR. Identifiers: Orphanet 637, MedGen C0027832, MONDO:0007039, OMIM 101000. Disease mechanism: loss of function.

Submission:

All of Us Research Program, National Institutes of Health
Classification: Uncertain significance for Neurofibromatosis, type 2. Last evaluated: 2023-02-24. Review status: criteria provided, single submitter. Criteria: ACMG Guidelines, 2015. Collection method: clinical testing. Allele origin: germline. Inheritance: Autosomal dominant inheritance. Observed: 1 variant allele, 1 heterozygote.
Comment: This missense variant replaces glutamine with lysine at codon 165 of the NF2 protein. Computational prediction suggests that this variant may not impact protein structure and function (internally defined REVEL score threshold <= 0.5, PMID: 27666373). To our knowledge, functional studies have not been reported for this variant. This variant has not been reported in individuals affected with NF2-related disorders in the literature. This variant has not been identified in the general population by the Genome Aggregation Database (gnomAD). The available evidence is insufficient to determine the role of this variant in disease conclusively. Therefore, this variant is classified as a Variant of Uncertain Significance.

This study involves interpretation of variants in research participants for the purpose of population health screening. Participant phenotype was not available at the time of variant classification. Additional details can be found in publication PMID: 35346344, PMCID: PMC8962531

NM_000268.4(NF2):c.493C>A (p.Gln165Lys)

Gene: NF2 (NF2, moesin-ezrin-radixin like (MERLIN) tumor suppressor; plus strand). Cytogenetic location: 22q12.2.
Variant type: single nucleotide variant.
Coding change: c.493C>A on transcript NM_000268.4 (MANE Select); coding-DNA position 493, C replaced by A.
Protein change: p.Gln165Lys; replaces glutamine 165 with lysine.
Molecular consequence: missense variant. On other transcripts: 5 prime UTR variant (1), intron variant (1).
Genome position (GRCh38, 1-based): chr22:29,654,702, C>A. VCF-style: chr22-29654702-C-A. GRCh37 (hg19) VCF-style: chr22-30050691-C-A.
Other names: c.370C>A, p.Gln124Lys (NM_001407058.1, NM_001407062.1, NM_181829.3 and 1 more transcripts); c.493C>A, p.Gln165Lys (NM_001407059.1, NM_001407060.1, NM_001407066.1 and 4 more transcripts); c.244C>A, p.Gln82Lys (NM_001407063.1, NM_001407064.1, NM_181830.3 and 1 more transcripts); c.-148C>A (NM_001407065.1); c.262C>A, p.Gln88Lys (NM_001407067.1); c.367C>A, p.Gln123Lys (NM_181828.3, NM_001407055.1); c.447+12417C>A (NM_181833.3); c.379C>A, p.Gln127Lys (NM_001407053.1, NM_001407056.1); short protein forms Q123K, Q124K, Q127K, Q165K, Q82K, Q88K.
Identifiers: ClinVar variation 3069482 (VCV003069482.1), dbSNP rs1601611973, ClinGen allele CA411142206.